The following is an entry in ClinVar:

NM_032638.5(GATA2):c.329C>A (p.Ala110Asp)

Gene: GATA2 (GATA binding protein 2; minus strand). Cytogenetic location: 3q21.3.
Variant type: single nucleotide variant.
Coding change: c.329C>A on transcript NM_032638.5 (MANE Select); coding-DNA position 329, C replaced by A.
Protein change: p.Ala110Asp; replaces alanine 110 with aspartic acid.
Molecular consequence: missense variant.
Genome position (GRCh38, 1-based): chr3:128,486,269, G>T on the plus strand (C>A on the coding strand, the complement: GATA2 is on the minus strand). VCF-style: chr3-128486269-G-T. GRCh37 (hg19) VCF-style: chr3-128205112-G-T.
Other names: c.329C>A, p.Ala110Asp (NM_001145661.2, NM_001145662.1); short protein forms A110D.
Identifiers: ClinVar variation 4871681 (VCV004871681.1).
Genomic context (GRCh38, chr3:128,486,269, plus strand): 5'-GCTGAGGGGTGCAGTGGCGTCTTGGAGAAGGGGCTCACGGTCCAGGGGTTGTGGTGGTGG[G>T]CCGCAGCGGCAGAGAGGGCTGCTTTGCCCCCGTCCAGCCAGGGCAAACCCGGGCTGTGCA-3'
Protein context (NP_116027.2, residues 100-120): GGKAALSAAA[Ala110Asp]HHHNPWTVSP

ClinVar aggregate classification (germline): Uncertain significance (1 of 4 stars; one submission).

Conditions:
Inborn genetic diseases. Identifiers: MedGen C0950123, MeSH D030342.

Submission:

Ambry Genetics
Classification: Uncertain significance for Inborn genetic diseases. Last evaluated: 2026-04-22. Review status: criteria provided, single submitter. Criteria: Ambry Variant Classification Scheme 2023. Collection method: clinical testing. Allele origin: germline.
Comment: The p.A110D variant (also known as c.329C>A), located in coding exon 2 of the GATA2 gene, results from a C to A substitution at nucleotide position 329. The alanine at codon 110 is replaced by aspartic acid, an amino acid with dissimilar properties. This amino acid position is conserved. In addition, this alteration is predicted to be deleterious by in silico analysis. Based on the available evidence, the clinical significance of this variant remains unclear.